The following is an entry in ClinVar:

ClinVar aggregate classification (germline): Benign. Review status: criteria provided, multiple submitters, no conflicts (2 of 4 stars). 6 submissions from 6 submitters: Benign (6). Last evaluated 2025-07-10.

Conditions:
Hereditary cancer-predisposing syndrome. Also called: Neoplastic Syndromes, Hereditary; Hereditary Cancer Syndrome; Tumor predisposition; Hereditary neoplastic syndrome. Identifiers: Orphanet 140162, MedGen C0027672, MeSH D009386, MONDO:0015356.

Allele frequency attached by ClinVar (database versions not stated): ESP Exome Variant Server 0.00861; gnomAD 0.01757 and 0.02175; TOPMed 0.01934; gnomAD exomes 0.03579; ExAC 0.03655; 1000 Genomes Project 30x 0.06371; 1000 Genomes Project 0.06749.
gnomAD v4.1: 29,969 of 1,613,540 alleles (1.9%); highest among the groups gnomAD compares: East Asian, 18%; 1,320 homozygotes.

Submissions (6):

GeneKor MSA
Classification: Benign for Hereditary cancer-predisposing syndrome. Last evaluated: 2025-07-10. Review status: criteria provided, single submitter. Criteria: ACMG Guidelines, 2015. Collection method: clinical testing. Allele origin: germline.

Center for Genomic Medicine, Rigshospitalet, Copenhagen University Hospital
Classification: Benign. Last evaluated: 2025-03-04. Review status: criteria provided, single submitter. Criteria: ACMG Guidelines, 2015. Collection method: clinical testing. Allele origin: germline.

Institute for Biomarker Research, Medical Diagnostic Laboratories, L.L.C.
Classification: Benign for Hereditary cancer-predisposing syndrome. Last evaluated: 2024-12-23. Review status: criteria provided, single submitter. Criteria: ACMG Guidelines, 2015. Collection method: clinical testing. Allele origin: germline.
Comment: The synonymous variant NM_013372.7(GREM1):c.207C>G (p.Pro69=) has been reported to ClinVar as Benign with a status of (2 stars) criteria provided, multiple submitters, no conflicts (Variation ID 402911 as of 2024-12-05). The p.Pro69= variant is not predicted to disrupt an existing splice site. The p.Pro69= variant results in a substitution of a base that is not predicted conserved by GERP++ and PhyloP. For these reasons, this variant has been classified as Benign.

GeneDx
Classification: Benign. Last evaluated: 2018-07-20. Review status: criteria provided, single submitter. Criteria: GeneDx Variant Classification Process June 2021. Collection method: clinical testing. Allele origin: germline. Affected: yes.

Laboratory for Molecular Medicine, Mass General Brigham Personalized Medicine
Classification: Benign. Last evaluated: 2016-03-28. Review status: criteria provided, single submitter. Criteria: LMM Criteria. Collection method: clinical testing. Allele origin: germline.
Comment: Variant identified in a genome or exome case(s) and assessed due to predicted null impact of the variant or pathogenic assertions in the literature or databases. Disclaimer: This variant has not undergone full assessment. The following are preliminary notes: Frequency

Breakthrough Genomics
Classification: Benign. Review status: criteria provided, single submitter. Criteria: ACMG Guidelines, 2015. Collection method: not provided. Allele origin: germline. Inheritance: Unknown mechanism. Affected: yes.

NM_013372.7(GREM1):c.207C>G (p.Pro69=)

Gene: GREM1 (gremlin 1, DAN family BMP antagonist; plus strand). Cytogenetic location: 15q13.3.
Variant type: single nucleotide variant.
Coding change: c.207C>G on transcript NM_013372.7 (MANE Select); coding-DNA position 207, C replaced by G.
Protein change: p.Pro69=; no amino-acid change (proline 69 retained).
Molecular consequence: synonymous variant. On other transcripts: intron variant (2).
Genome position (GRCh38, 1-based): chr15:32,730,897, C>G. VCF-style: chr15-32730897-C-G. GRCh37 (hg19) VCF-style: chr15-33023098-C-G.
Other names: c.207C>G, p.Pro69= (NM_001368719.1); c.115-31C>G (NM_001191323.2); c.28-31C>G (NM_001191322.2).
Identifiers: ClinVar variation 402911 (VCV000402911.16), dbSNP rs2280738, ClinGen allele CA7456129.
Genomic context (GRCh38, chr15:32,730,897, plus strand): 5'-GCCCCAGCAGCCTGGCTCCAGGAACCGGGGGCGGGGCCAAGGGCGGGGCACTGCCATGCC[C>G]GGGGAGGAGGTGCTGGAGTCCAGCCAAGAGGCCCTGCATGTGACGGAGCGCAAATACCTG-3'
Protein context (NP_037504.1, residues 59-79): GRGQGRGTAM[Pro69=]GEEVLESSQE